The following is an entry in ClinVar:

ClinVar aggregate classification (germline): Uncertain significance. Review status: criteria provided, multiple submitters, no conflicts (2 of 4 stars). 3 submissions from 3 submitters: Uncertain significance (3). Last evaluated 2024-07-29.

Conditions:
Autoinflammation-PLCG2-associated antibody deficiency-immune dysregulation. Also called: AUTOINFLAMMATION, ANTIBODY DEFICIENCY, AND IMMUNE DYSREGULATION; Autoinflammation, antibody deficiency, and immune dysregulation, plcg2-associated; Autoinflammation, antibody deficiency, and immune dysregulation syndrome. Identifiers: Orphanet 324530, MedGen C3553961, MONDO:0013944, OMIM 614878.
Familial cold autoinflammatory syndrome 3 (FCAS3). Also called: FAMILIAL ATYPICAL COLD URTICARIA; ANTIBODY DEFICIENCY AND IMMUNE DYSREGULATION, PLCG2-ASSOCIATED. Identifiers: Orphanet 300359, MedGen C3280914, MONDO:0013766, OMIM 614468.

gnomAD v4.1: 27 of 1,613,826 alleles (0.0017%); highest among the groups gnomAD compares: Non-Finnish European, 0.0022%; no homozygotes.

Submissions (3):

Labcorp Genetics (formerly Invitae), Labcorp
Classification: Uncertain significance for Familial cold autoinflammatory syndrome 3. Last evaluated: 2024-07-29. Review status: criteria provided, single submitter. Criteria: Invitae Variant Classification Sherloc (09022015). Collection method: clinical testing. Allele origin: germline.
Comment: This sequence change replaces proline, which is neutral and non-polar, with alanine, which is neutral and non-polar, at codon 1127 of the PLCG2 protein (p.Pro1127Ala). This variant is present in population databases (no rsID available, gnomAD 0.0009%). This variant has not been reported in the literature in individuals affected with PLCG2-related conditions. ClinVar contains an entry for this variant (Variation ID: 1675638). An algorithm developed to predict the effect of missense changes on protein structure and function (PolyPhen-2) suggests that this variant is likely to be tolerated. In summary, the available evidence is currently insufficient to determine the role of this variant in disease. Therefore, it has been classified as a Variant of Uncertain Significance.

CeGaT Center for Human Genetics Tuebingen
Classification: Uncertain significance. Last evaluated: 2022-01-01. Review status: criteria provided, single submitter. Criteria: CeGaT Center For Human Genetics Tuebingen Variant Classification Criteria Version 2. Collection method: clinical testing. Allele origin: germline. Affected: yes. Observed: 1 variant allele.

Fulgent Genetics
Classification: Uncertain significance for Familial cold autoinflammatory syndrome 3; Autoinflammation-PLCG2-associated antibody deficiency-immune dysregulation. Last evaluated: 2021-11-23. Review status: criteria provided, single submitter. Criteria: ACMG Guidelines, 2015. Collection method: clinical testing. Allele origin: unknown.

NM_002661.5(PLCG2):c.3379C>G (p.Pro1127Ala)

Gene: PLCG2 (phospholipase C gamma 2; plus strand). Cytogenetic location: 16q23.3.
Variant type: single nucleotide variant.
Coding change: c.3379C>G on transcript NM_002661.5 (MANE Select); coding-DNA position 3379, C replaced by G.
Protein change: p.Pro1127Ala; replaces proline 1127 with alanine.
Molecular consequence: missense variant.
Genome position (GRCh38, 1-based): chr16:81,939,957, C>G. VCF-style: chr16-81939957-C-G. GRCh37 (hg19) VCF-style: chr16-81973562-C-G.
Other names: short protein forms P1127A.
Identifiers: ClinVar variation 1675638 (VCV001675638.39), dbSNP rs762731399, ClinGen allele CA396908543.
Genomic context (GRCh38, chr16:81,939,957, plus strand): 5'-AATGGCCTCAGCCCTATCTGGGCTCCAACACAGGAGAAGGTGACATTTGAAATTTATGAC[C>G]CAAACCTGGCATTTCTGCGCTTTGTGGTTTATGAAGAAGATATGTTCAGCGATCCCAACT-3'
Protein context (NP_002652.2, residues 1117-1137): QEKVTFEIYD[Pro1127Ala]NLAFLRFVVY